The following is an entry in ClinVar:

ClinVar aggregate classification (germline): Uncertain significance (1 of 4 stars; one submission).

Submission:

GeneDx
Classification: Uncertain significance. Last evaluated: 2019-09-18. Review status: criteria provided, single submitter. Criteria: GeneDx Variant Classification Process June 2021. Collection method: clinical testing. Allele origin: germline. Affected: yes.
Comment: Not observed in large population cohorts (Lek et al., 2016); In silico analysis, which includes protein predictors and evolutionary conservation, supports that this variant does not alter protein structure/function; Has not been previously published as pathogenic or benign to our knowledge

NM_005120.3(MED12):c.5563G>A (p.Val1855Met)

Gene: MED12 (mediator complex subunit 12; plus strand). Cytogenetic location: Xq13.1.
Variant type: single nucleotide variant.
Coding change: c.5563G>A on transcript NM_005120.3 (MANE Select); coding-DNA position 5563, G replaced by A.
Protein change: p.Val1855Met; replaces valine 1855 with methionine.
Molecular consequence: missense variant.
Genome position (GRCh38, 1-based): chrX:71,137,198, G>A. VCF-style: chrX-71137198-G-A. GRCh37 (hg19) VCF-style: chrX-70357048-G-A.
Other names: short protein forms V1855M.
Identifiers: ClinVar variation 426743 (VCV000426743.3), dbSNP rs1085307774, ClinGen allele CA413536480.